The following is an entry in ClinVar:

NM_000257.4(MYH7):c.1645A>G (p.Lys549Glu)

Gene: MYH7 (myosin heavy chain 7; minus strand). Cytogenetic location: 14q11.2.
Variant type: single nucleotide variant.
Coding change: c.1645A>G on transcript NM_000257.4 (MANE Select); coding-DNA position 1645, A replaced by G.
Protein change: p.Lys549Glu; replaces lysine 549 with glutamic acid.
Molecular consequence: missense variant.
Genome position (GRCh38, 1-based): chr14:23,427,828, T>C on the plus strand (A>G on the coding strand, the complement: MYH7 is on the minus strand). VCF-style: chr14-23427828-T-C. GRCh37 (hg19) VCF-style: chr14-23897037-T-C.
Other names: c.1645A>G, p.Lys549Glu (NM_001407004.1); short protein forms K549E.
Identifiers: ClinVar variation 4687902 (VCV004687902.1).

ClinVar aggregate classification (germline): Likely pathogenic (1 of 4 stars; one submission).

Conditions:
Dilated cardiomyopathy 1S (CMD1S). Identifiers: Orphanet 154, Orphanet 54260, MedGen C1834481, MONDO:0013262, OMIM 613426.

Submission:

Human Genetics Bochum, Ruhr University Bochum
Classification: Likely pathogenic for Dilated cardiomyopathy 1S. Last evaluated: 2025-03-05. Review status: criteria provided, single submitter. Criteria: ACMG Guidelines, 2015. Collection method: clinical testing. Allele origin: germline. Affected: yes.
Comment: ACMG criteria used to clasify this variant: PM1, PP3_MOD, PM2_SUP, PP2